The following is an entry in ClinVar:

ClinVar aggregate classification (germline): Pathogenic (1 of 4 stars; one submission).

Conditions:
Marfan syndrome (MFS). Also called: Marfan syndrome type 1; Marfan's syndrome; FBN1-Related Marfan Syndrome; MARFAN SYNDROME, TYPE I; Marfan syndrome, classic. Identifiers: Orphanet 284963, Orphanet 558, MedGen C0024796, MONDO:0007947, OMIM 154700.
Familial thoracic aortic aneurysm and aortic dissection (TAAD). Also called: Thoracic aortic aneurysms and dissections. Identifiers: Orphanet 91387, MedGen C4707243, MONDO:0019625.

Submission:

Labcorp Genetics (formerly Invitae), Labcorp
Classification: Pathogenic for Marfan syndrome; Familial thoracic aortic aneurysm and aortic dissection. Last evaluated: 2022-08-23. Review status: criteria provided, single submitter. Criteria: Invitae Variant Classification Sherloc (09022015). Collection method: clinical testing. Allele origin: germline.
Comment: ClinVar contains an entry for this variant (Variation ID: 1381235). For these reasons, this variant has been classified as Pathogenic. This variant disrupts a region of the FBN1 protein in which other variant(s) (p.Gln2867*) have been determined to be pathogenic (PMID: 19293843). This suggests that this is a clinically significant region of the protein, and that variants that disrupt it are likely to be disease-causing. Algorithms developed to predict the effect of sequence changes on RNA splicing suggest that this variant may create or strengthen a splice site. This variant has not been reported in the literature in individuals affected with FBN1-related conditions. This variant is not present in population databases (gnomAD no frequency). This sequence change creates a premature translational stop signal (p.Ile2777Glnfs*2) in the FBN1 gene. While this is not anticipated to result in nonsense mediated decay, it is expected to disrupt the last 95 amino acid(s) of the FBN1 protein.

Literature cited by the submitters: PubMed 19293843.

NM_000138.5(FBN1):c.8312_8327dup (p.Arg2776_Ile2777insGlnTer)

Gene: FBN1 (fibrillin 1; minus strand). Cytogenetic location: 15q21.1.
Variant type: Duplication.
Coding change: c.8312_8327dup on transcript NM_000138.5 (MANE Select); coding-DNA positions 8312 to 8327, 16 bases duplicated (TCAGTAACAAGGTTCG).
Protein change: p.Arg2776_Ile2777insGlnTer.
Molecular consequence: nonsense, inframe insertion.
Genome position (GRCh38, 1-based): chr15:48,411,279-48,411,294, CGAACCTTGTTACTGA duplicated on the plus strand (TCAGTAACAAGGTTCG on the coding strand, the reverse complement: FBN1 is on the minus strand); duplicating any 16 consecutive bases within chr15:48,411,279-48,411,296 gives the same sequence; the c. name uses the placement nearest the transcript's 3' end. VCF-style (leftmost placement, unchanged base first): chr15-48411278-T-TCGAACCTTGTTACTGA. GRCh37 (hg19) VCF-style: chr15-48703475-T-TCGAACCTTGTTACTGA.
Identifiers: ClinVar variation 1381235 (VCV001381235.6), dbSNP rs2141210000, ClinGen allele CA2573150927.
Genomic context (GRCh38, chr15:48,411,278, plus strand): 5'-TTCGATCAAGTATCTGTTGTGATTCGTCAGAGTTGTAAGAGCTGGAAGGAGTTCTAGGAT[T>TCGAACCTTGTTACTGA]CGAACCTTGTTACTGACGTGGGAAATATTGAAAGCAAAGATGGCTGTCTTCTCAACATCC-3'